The following is an entry in ClinVar:

ClinVar aggregate classification (germline): Likely benign. Review status: criteria provided, multiple submitters, no conflicts (2 of 4 stars). 2 submissions from 2 submitters: Likely benign (2). Last evaluated 2026-01-21.

Conditions:
LSR-related condition.

Allele frequency attached by ClinVar (database versions not stated): 1000 Genomes Project 30x 0.00031; 1000 Genomes Project 0.00040; ESP Exome Variant Server 0.00085.
gnomAD v4.1: 163 of 1,519,024 alleles (0.011%); highest among the groups gnomAD compares: African/African-American, 0.2%; no homozygotes.

Submissions (2):

Labcorp Genetics (formerly Invitae), Labcorp
Classification: Likely benign. Last evaluated: 2026-01-21. Review status: criteria provided, single submitter. Criteria: Invitae Variant Classification Sherloc (09022015). Collection method: clinical testing. Allele origin: germline.

PreventionGenetics, part of Exact Sciences
Classification: Likely benign for LSR-related condition. Last evaluated: 2025-12-17. Review status: criteria provided, single submitter. Criteria: ACMG Guidelines, 2015. Collection method: clinical testing. Allele origin: germline.
Comment: This variant is classified as likely benign based on ACMG/AMP sequence variant interpretation guidelines (Richards et al. 2015 PMID: 25741868, with internal and published modifications).

NM_205834.4(LSR):c.631+9G>T

Gene: LSR (lipolysis stimulated lipoprotein receptor; plus strand). Cytogenetic location: 19q13.12.
Variant type: single nucleotide variant.
Coding change: c.631+9G>T on transcript NM_205834.4 (MANE Select); 9 bases into the intron after coding-DNA position 631, G replaced by T.
Molecular consequence: intron variant.
Genome position (GRCh38, 1-based): chr19:35,261,990, G>T. VCF-style: chr19-35261990-G-T. GRCh37 (hg19) VCF-style: chr19-35752893-G-T.
Other names: c.775+9G>T (NM_205834.3); c.575-556G>T (NM_015925.7, NM_001260489.2); c.574+2926G>T (NM_205835.4, NM_001385215.1); c.455-4369G>T (NM_001260490.2).
Identifiers: ClinVar variation 2696798 (VCV002696798.4), dbSNP rs200926754, ClinGen allele CA9374778.
Genomic context (GRCh38, chr19:35,261,990, plus strand): 5'-ACCTCAGGGGTGGCTGAGCTCTTACCTGGTTTTCAGGCGGGGCCCATAGAAGGTACGGGG[G>T]GTGGATCCTGAGTTGGGCTTCTCGGGAGCTCCCATACATCACCTACTGCTTCTGACTCTA-3'